The following is an entry in ClinVar:

NM_001080442.3(SLC38A8):c.388+4A>G

Gene: SLC38A8 (solute carrier family 38 member 8; minus strand). Cytogenetic location: 16q23.3.
Variant type: single nucleotide variant.
Coding change: c.388+4A>G on transcript NM_001080442.3 (MANE Select); 4 bases into the intron after coding-DNA position 388, A replaced by G.
Molecular consequence: intron variant.
Genome position (GRCh38, 1-based): chr16:84,036,698, T>C on the plus strand (A>G on the coding strand, the complement: SLC38A8 is on the minus strand). VCF-style: chr16-84036698-T-C. GRCh37 (hg19) VCF-style: chr16-84070303-T-C.
Identifiers: ClinVar variation 2190389 (VCV002190389.1), dbSNP rs1304088346, ClinGen allele CA624018626.

ClinVar aggregate classification (germline): Uncertain significance (1 of 4 stars; one submission).

gnomAD v4.1: 4 of 1,614,076 alleles (0.00025%); no homozygotes.

Submission:

Labcorp Genetics (formerly Invitae), Labcorp
Classification: Uncertain significance. Last evaluated: 2022-05-13. Review status: criteria provided, single submitter. Criteria: Invitae Variant Classification Sherloc (09022015). Collection method: clinical testing. Allele origin: germline.
Comment: This sequence change falls in intron 2 of the SLC38A8 gene. It does not directly change the encoded amino acid sequence of the SLC38A8 protein. It affects a nucleotide within the consensus splice site. This variant is present in population databases (no rsID available, gnomAD 0.01%). This variant has not been reported in the literature in individuals affected with SLC38A8-related conditions. Variants that disrupt the consensus splice site are a relatively common cause of aberrant splicing (PMID: 17576681, 9536098). Algorithms developed to predict the effect of sequence changes on RNA splicing suggest that this variant may create or strengthen a splice site. In summary, the available evidence is currently insufficient to determine the role of this variant in disease. Therefore, it has been classified as a Variant of Uncertain Significance.

Literature cited by the submitters: PubMed 17576681; PubMed 9536098.